The following is an entry in ClinVar:

ClinVar aggregate classification (germline): Uncertain significance (1 of 4 stars; one submission).

Conditions:
Inborn genetic diseases. Identifiers: MedGen C0950123, MeSH D030342.

gnomAD v4.1: 1 of 1,613,658 alleles (0.000062%); highest among the groups gnomAD compares: Non-Finnish European, 0.000085%; no homozygotes.

Submission:

Ambry Genetics
Classification: Uncertain significance for Inborn genetic diseases. Last evaluated: 2024-11-21. Review status: criteria provided, single submitter. Criteria: Ambry Variant Classification Scheme 2023. Collection method: clinical testing. Allele origin: germline.
Comment: The p.S850G variant (also known as c.2548A>G), located in coding exon 1 of the SAMD9 gene, results from an A to G substitution at nucleotide position 2548. The serine at codon 850 is replaced by glycine, an amino acid with similar properties. This amino acid position is conserved. In addition, this alteration is predicted to be tolerated by in silico analysis. Based on the available evidence, the clinical significance of this variant remains unclear.

NM_017654.4(SAMD9):c.2548A>G (p.Ser850Gly)

Gene: SAMD9 (sterile alpha motif domain containing 9; minus strand). Cytogenetic location: 7q21.2.
Variant type: single nucleotide variant.
Coding change: c.2548A>G on transcript NM_017654.4 (MANE Select); coding-DNA position 2548, A replaced by G.
Protein change: p.Ser850Gly; replaces serine 850 with glycine.
Molecular consequence: missense variant.
Genome position (GRCh38, 1-based): chr7:93,103,550, T>C on the plus strand (A>G on the coding strand, the complement: SAMD9 is on the minus strand). VCF-style: chr7-93103550-T-C. GRCh37 (hg19) VCF-style: chr7-92732863-T-C.
Other names: c.2548A>G, p.Ser850Gly (NM_001193307.2); short protein forms S850G.
Identifiers: ClinVar variation 3437013 (VCV003437013.1).